The following is an entry in ClinVar:

NM_020778.5(ALPK3):c.-42G>A

Gene: ALPK3 (alpha kinase 3; plus strand). Cytogenetic location: 15q25.3.
Variant type: single nucleotide variant.
Coding change: c.-42G>A on transcript NM_020778.5 (MANE Select); 42 bases upstream of the start codon, G replaced by A.
Molecular consequence: 5 prime UTR variant.
Genome position (GRCh38, 1-based): chr15:84,817,411, G>A. VCF-style: chr15-84817411-G-A. GRCh37 (hg19) VCF-style: chr15-85360642-G-A.
Identifiers: ClinVar variation 2970259 (VCV002970259.3), dbSNP rs2505689003, ClinGen allele CA393369173.

ClinVar aggregate classification (germline): Uncertain significance (1 of 4 stars; one submission).

Allele frequency attached by ClinVar (database versions not stated): gnomAD exomes below 0.00001.
gnomAD v4.1: 2 of 1,241,702 alleles (0.00016%); highest among the groups gnomAD compares: African/African-American, 0.0031%; no homozygotes.

Submission:

Labcorp Genetics (formerly Invitae), Labcorp
Classification: Uncertain significance. Last evaluated: 2024-01-28. Review status: criteria provided, single submitter. Criteria: Invitae Variant Classification Sherloc (09022015). Collection method: clinical testing. Allele origin: germline.
Comment: This sequence change replaces alanine, which is neutral and non-polar, with threonine, which is neutral and polar, at codon 189 of the ALPK3 protein (p.Ala189Thr). This variant is not present in population databases (gnomAD no frequency). This variant has not been reported in the literature in individuals affected with ALPK3-related conditions. An algorithm developed to predict the effect of missense changes on protein structure and function (PolyPhen-2) suggests that this variant is likely to be tolerated. In summary, the available evidence is currently insufficient to determine the role of this variant in disease. Therefore, it has been classified as a Variant of Uncertain Significance.